The following is an entry in ClinVar:

ClinVar aggregate classification (germline): Likely benign. Review status: criteria provided, single submitter (1 of 4 stars). 3 submissions from 3 submitters: Likely benign (1). 2 of the submissions do not count toward it. Last evaluated 2025-07-10.

Conditions:
Bartter syndrome. Identifiers: Orphanet 112, MedGen C0004775, MONDO:0015231.
BSND-related disorder. Also called: BSND-related condition.

Allele frequency attached by ClinVar (database versions not stated): gnomAD exomes 0.00004 and 0.00009; ExAC 0.00012; 1000 Genomes Project 0.00020; ESP Exome Variant Server 0.00023; 1000 Genomes Project 30x 0.00031; gnomAD 0.00032 and 0.00034; TOPMed 0.00040.
gnomAD v4.1: 118 of 1,614,136 alleles (0.0073%); highest among the groups gnomAD compares: African/African-American, 0.11%; no homozygotes.

Submissions (3):

Labcorp Genetics (formerly Invitae), Labcorp
Classification: Likely benign. Last evaluated: 2025-07-10. Review status: criteria provided, single submitter. Criteria: Invitae Variant Classification Sherloc (09022015). Collection method: clinical testing. Allele origin: germline.

Natera, Inc.
Classification: Uncertain significance for Bartter syndrome. Last evaluated: 2020-01-24. Review status: no assertion criteria provided. Collection method: clinical testing. Allele origin: germline. Not counted in ClinVar's aggregate classification.

PreventionGenetics, part of Exact Sciences
Classification: Likely benign for BSND-related condition. Last evaluated: 2019-08-06. Review status: no assertion criteria provided. Collection method: clinical testing. Allele origin: germline. Not counted in ClinVar's aggregate classification.
Comment: This variant is classified as likely benign based on ACMG/AMP sequence variant interpretation guidelines (Richards et al. 2015 PMID: 25741868, with internal and published modifications).

NM_057176.3(BSND):c.69G>A (p.Thr23=)

Gene: BSND (barttin CLCNK type accessory subunit beta; plus strand). Cytogenetic location: 1p32.3.
Variant type: single nucleotide variant.
Coding change: c.69G>A on transcript NM_057176.3 (MANE Select); coding-DNA position 69, G replaced by A.
Protein change: p.Thr23=; no amino-acid change (threonine 23 retained).
Molecular consequence: synonymous variant.
Genome position (GRCh38, 1-based): chr1:54,999,255, G>A. VCF-style: chr1-54999255-G-A. GRCh37 (hg19) VCF-style: chr1-55464928-G-A.
Identifiers: ClinVar variation 739077 (VCV000739077.14), dbSNP rs368632305, ClinGen allele CA871206.